The following is an entry in ClinVar:

NM_001349206.2(LPIN1):c.604C>T (p.Pro202Ser)

Gene: LPIN1 (lipin 1; plus strand). Cytogenetic location: 2p25.1.
Variant type: single nucleotide variant.
Coding change: c.604C>T on transcript NM_001349206.2 (MANE Select); coding-DNA position 604, C replaced by T.
Protein change: p.Pro202Ser; replaces proline 202 with serine.
Molecular consequence: missense variant. On other transcripts: non-coding transcript variant (1).
Genome position (GRCh38, 1-based): chr2:11,773,627, C>T. VCF-style: chr2-11773627-C-T. GRCh37 (hg19) VCF-style: chr2-11913753-C-T.
Other names: c.622C>T, p.Pro208Ser (NM_001261427.3); c.751C>T, p.Pro251Ser (NM_001261428.3, NM_001349208.2); c.604C>T, p.Pro202Ser (NM_001349199.2, NM_001349200.2, NM_001349201.2 and 5 more transcripts); c.694C>T, p.Pro232Ser (NM_001349207.2); short protein forms P208S, P232S, P251S, P202S.
Identifiers: ClinVar variation 1965953 (VCV001965953.5), dbSNP rs1672218419, ClinGen allele CA345853947.

ClinVar aggregate classification (germline): Uncertain significance (1 of 4 stars; one submission).

Submission:

Labcorp Genetics (formerly Invitae), Labcorp
Classification: Uncertain significance. Last evaluated: 2022-03-11. Review status: criteria provided, single submitter. Criteria: Invitae Variant Classification Sherloc (09022015). Collection method: clinical testing. Allele origin: germline.
Comment: Algorithms developed to predict the effect of missense changes on protein structure and function output the following: SIFT: "Tolerated"; PolyPhen-2: "Benign"; Align-GVGD: "Class C0". The serine amino acid residue is found in multiple mammalian species, which suggests that this missense change does not adversely affect protein function. This variant has not been reported in the literature in individuals affected with LPIN1-related conditions. This variant is not present in population databases (gnomAD no frequency). This sequence change replaces proline, which is neutral and non-polar, with serine, which is neutral and polar, at codon 202 of the LPIN1 protein (p.Pro202Ser). In summary, the available evidence is currently insufficient to determine the role of this variant in disease. Therefore, it has been classified as a Variant of Uncertain Significance.